The following is an entry in ClinVar:

NM_001114753.3(ENG):c.605C>A (p.Ala202Asp)

Gene: ENG (endoglin; minus strand). Cytogenetic location: 9q34.11.
Variant type: single nucleotide variant.
Coding change: c.605C>A on transcript NM_001114753.3 (MANE Select); coding-DNA position 605, C replaced by A.
Protein change: p.Ala202Asp; replaces alanine 202 with aspartic acid.
Molecular consequence: missense variant.
Genome position (GRCh38, 1-based): chr9:127,825,779, G>T on the plus strand (C>A on the coding strand, the complement: ENG is on the minus strand). VCF-style: chr9-127825779-G-T. GRCh37 (hg19) VCF-style: chr9-130588058-G-T.
Other names: c.605C>A (NM_001114753.1); c.605C>A, p.Ala202Asp (NM_000118.4, NM_001406715.1); c.59C>A, p.Ala20Asp (NM_001278138.2); short protein forms A202D, A20D.
Identifiers: ClinVar variation 1356496 (VCV001356496.8), dbSNP rs750916329, ClinGen allele CA5253071.

ClinVar aggregate classification (germline): Uncertain significance. Review status: criteria provided, multiple submitters, no conflicts (2 of 4 stars). 2 submissions from 2 submitters: Uncertain significance (2). Last evaluated 2025-12-26.

Conditions:
Hereditary hemorrhagic telangiectasia (HHT). Also called: ORW DISEASE; Osler Weber Rendu syndrome; OSLER-RENDU-WEBER DISEASE; Osler hemorrhagic telangiectasia syndrome. Identifiers: Orphanet 774, MedGen C0039445, MONDO:0019180. Disease mechanism: loss of function.
Cardiovascular phenotype. Identifiers: MedGen CN230736.

Allele frequency attached by ClinVar (database versions not stated): ExAC 0.00004.
gnomAD v4.1: 17 of 1,595,672 alleles (0.0011%); highest among the groups gnomAD compares: Non-Finnish European, 0.0012%; no homozygotes.

Submissions (2):

Ambry Genetics
Classification: Uncertain significance for Cardiovascular phenotype. Last evaluated: 2025-12-26. Review status: criteria provided, single submitter. Criteria: Ambry Variant Classification Scheme 2023. Collection method: clinical testing. Allele origin: germline.
Comment: The p.A202D variant (also known as c.605C>A), located in coding exon 5 of the ENG gene, results from a C to A substitution at nucleotide position 605. The alanine at codon 202 is replaced by aspartic acid, an amino acid with dissimilar properties. This amino acid position is conserved. In addition, this alteration is predicted to be tolerated by in silico analysis. Based on the available evidence, the clinical significance of this variant remains unclear.

Labcorp Genetics (formerly Invitae), Labcorp
Classification: Uncertain significance for Hereditary hemorrhagic telangiectasia. Last evaluated: 2023-06-28. Review status: criteria provided, single submitter. Criteria: Invitae Variant Classification Sherloc (09022015). Collection method: clinical testing. Allele origin: germline.
Comment: This sequence change replaces alanine, which is neutral and non-polar, with aspartic acid, which is acidic and polar, at codon 202 of the ENG protein (p.Ala202Asp). The frequency data for this variant in the population databases is considered unreliable, as metrics indicate poor data quality at this position in the gnomAD database. In summary, the available evidence is currently insufficient to determine the role of this variant in disease. Therefore, it has been classified as a Variant of Uncertain Significance. Advanced modeling of protein sequence and biophysical properties (such as structural, functional, and spatial information, amino acid conservation, physicochemical variation, residue mobility, and thermodynamic stability) performed at Invitae indicates that this missense variant is not expected to disrupt ENG protein function. ClinVar contains an entry for this variant (Variation ID: 1356496). This variant has not been reported in the literature in individuals affected with ENG-related conditions.